The following is an entry in ClinVar:

ClinVar aggregate classification (germline): Uncertain significance (1 of 4 stars; one submission).

Submission:

Labcorp Genetics (formerly Invitae), Labcorp
Classification: Uncertain significance. Last evaluated: 2026-02-01. Review status: criteria provided, single submitter. Criteria: Invitae Variant Classification Sherloc (09022015). Collection method: clinical testing. Allele origin: germline.
Comment: This sequence change replaces histidine, which is basic and polar, with tyrosine, which is neutral and polar, at codon 381 of the ADGRA3 protein (p.His381Tyr). This variant is not present in population databases (gnomAD no frequency). This variant has not been reported in the literature in individuals affected with ADGRA3-related conditions. An algorithm developed to predict the effect of missense changes on protein structure and function (PolyPhen-2) suggests that this variant is likely to be tolerated. In summary, the available evidence is currently insufficient to determine the role of this variant in disease. Therefore, it has been classified as a Variant of Uncertain Significance.

NM_145290.4(ADGRA3):c.1141C>T (p.His381Tyr)

Gene: ADGRA3 (adhesion G protein-coupled receptor A3; minus strand). Cytogenetic location: 4p15.2.
Variant type: single nucleotide variant.
Coding change: c.1141C>T on transcript NM_145290.4 (MANE Select); coding-DNA position 1141, C replaced by T.
Protein change: p.His381Tyr; replaces histidine 381 with tyrosine.
Molecular consequence: missense variant.
Genome position (GRCh38, 1-based): chr4:22,436,586, G>A on the plus strand (C>T on the coding strand, the complement: ADGRA3 is on the minus strand). VCF-style: chr4-22436586-G-A. GRCh37 (hg19) VCF-style: chr4-22438209-G-A.
Other names: short protein forms H381Y.
Identifiers: ClinVar variation 4696673 (VCV004696673.1).